The following is an entry in ClinVar:

NM_001374828.1(ARID1B):c.1492del (p.Ala498fs)

Gene: ARID1B (AT-rich interaction domain 1B; plus strand). Cytogenetic location: 6q25.3.
Variant type: Deletion.
Coding change: c.1492del on transcript NM_001374828.1 (MANE Select); coding-DNA position 1492, one base deleted (G; older notation c.1492delG).
Protein change: p.Ala498fs; shifts the reading frame from alanine 498.
Molecular consequence: frameshift variant.
Genome position (GRCh38, 1-based): chr6:156,779,172, G deleted; the last of 5 consecutive G bases (chr6:156,779,168-156,779,172); deleting any one gives the same sequence. VCF-style (leftmost placement, unchanged base first): chr6-156779167-CG-C. GRCh37 (hg19) VCF-style: chr6-157100301-CG-C.
Other names: c.1492delG (NM_017519.3); c.1243delG (NM_020732.3); c.1492del, p.Ala498fs (NM_001371656.1, NM_001374820.1, NM_017519.3); short protein forms A498fs.
Identifiers: ClinVar variation 817086 (VCV000817086.4), dbSNP rs1417035592, ClinGen allele CA571907178.
Genomic context (GRCh38, chr6:156,779,167, plus strand): 5'-CGGCCGCCGGCTCGGCGGCGGGGGGCTTCCAGCGCTTCGCCGGCCAGAACCAGCACCCGT[CG>C]GGGGCCACCCCGACCCTCAATCAGCTGCTCACCTCGCCCAGCCCCATGATGCGGAGCTAC-3'

ClinVar aggregate classification (germline): Pathogenic. Review status: criteria provided, multiple submitters, no conflicts (2 of 4 stars). 3 submissions from 3 submitters: Pathogenic (3). Last evaluated 2021-07-15.

Conditions:
Coffin-Siris syndrome 1 (CSS1). Also called: ARID1B-Related Coffin-Siris Syndrome; Mental retardation, autosomal dominant 12. Identifiers: Orphanet 1465, MedGen C3281201, MONDO:0007617, OMIM 135900. Disease mechanism: gain of function.
Intellectual disability. Also called: Intellectual functioning disability; Intellectual developmental disorder; intellectual disabilities. Identifiers: MedGen C3714756, MeSH D008607, MONDO:0001071, HP:0001249.

Submissions (3):

Genome-Nilou Lab
Classification: Pathogenic for Coffin-Siris syndrome 1. Last evaluated: 2021-07-15. Review status: criteria provided, single submitter. Criteria: ACMG Guidelines, 2015. Collection method: clinical testing. Allele origin: germline. Affected: no.

Institute of Human Genetics, University of Leipzig Medical Center
Classification: Pathogenic for Intellectual disability. Last evaluated: 2021-02-25. Review status: criteria provided, single submitter. Criteria: ACMG Guidelines, 2015. Collection method: clinical testing. Allele origin: de novo. Inheritance: Autosomal dominant inheritance. Affected: yes.
Comment: Inheritance was de novo (heterozygous). The variant was reviewed according to current ACMG recommendations and classified as Pathogenic (criteria: PVS1_VeryStrong, PS2_Moderate, PM2_Supporting).

GeneDx
Classification: Pathogenic. Last evaluated: 2019-03-04. Review status: criteria provided, single submitter. Criteria: GeneDx Variant Classification (06012015). Collection method: clinical testing. Allele origin: germline. Affected: yes.
Comment: The c.1243delG variant in the ARID1B gene has not been reported previously as a pathogenic variant nor as a benign variant, to our knowledge. The c.1243delG variant causes a frameshift starting with codon Alanine 415, changes this amino acid to a Proline residue, and creates a premature Stop codon at position 15 of the new reading frame, denoted p.Ala415ProfsX15. This variant is predicted to cause loss of normal protein function either through protein truncation or nonsense-mediated mRNA decay. The c.1243delG variant is not observed in large population cohorts (Lek et al., 2016). We interpret c.1243delG as a pathogenic variant.